The following is an entry in ClinVar:

ClinVar aggregate classification (germline): Benign/Likely benign. Review status: criteria provided, multiple submitters, no conflicts (2 of 4 stars). 15 submissions from 13 submitters: Benign (11); Likely benign (1). 3 of the submissions do not count toward it. Last evaluated 2026-02-04.

Conditions:
RYR1-related disorder. Also called: RYR1-related disorders; RYR1-related condition. Identifiers: MedGen CN239331.
Congenital multicore myopathy with external ophthalmoplegia (CMYO1B). Also called: Congenital myopathy 1B, autosomal recessive; Minicore myopathy; MULTICORE MYOPATHY; Minicore myopathy with external ophthalmoplegia; MULTIMINICORE DISEASE WITH EXTERNAL OPHTHALMOPLEGIA. Identifiers: Orphanet 598, Orphanet 98905, MedGen C1850674, MONDO:0009712, OMIM 255320, HP:0003789.
Central core myopathy (CMYO1A). Also called: Central core disease; Myopathy, central fibrillar; CONGENITAL MYOPATHY 1A, AUTOSOMAL DOMINANT, WITH SUSCEPTIBILITY TO MALIGNANT HYPERTHERMIA. Identifiers: Orphanet 597, MedGen C5830701, MONDO:0007294, OMIM 117000.
Malignant hyperthermia, susceptibility to, 1 (MHS1). Also called: Anesthesia related hyperthermia; Malignant hyperpyrexia; Fulminating hyperpyrexia; Pharmacogenic myopathy; RYR1-Related Malignant Hyperthermia Susceptibility; Malignant hyperthermia suceptibility 1. Identifiers: Orphanet 423, MedGen C2930980, MONDO:0007783, OMIM 145600.

Allele frequency attached by ClinVar (database versions not stated): 1000 Genomes Project 0.01238; 1000 Genomes Project 30x 0.01280; TOPMed 0.01772; gnomAD 0.02182 and 0.02251; ESP Exome Variant Server 0.02230; ExAC 0.02231; gnomAD exomes 0.02247 and 0.02968.
gnomAD v4.1: 46,383 of 1,613,096 alleles (2.9%); highest among the groups gnomAD compares: Non-Finnish European, 3.2%; 842 homozygotes.

Submissions (15):

Labcorp Genetics (formerly Invitae), Labcorp
Classification: Benign for RYR1-related disorder. Last evaluated: 2026-02-04. Review status: criteria provided, single submitter. Criteria: Invitae Variant Classification Sherloc (09022015). Collection method: clinical testing. Allele origin: germline.

Blueprint Genetics
Classification: Benign. Last evaluated: 2024-11-28. Review status: criteria provided, single submitter. Criteria: ACMG Guidelines, 2015. Collection method: clinical testing. Allele origin: germline.

Color Diagnostics, LLC DBA Color Health
Classification: Benign for Malignant hyperthermia, susceptibility to, 1. Last evaluated: 2022-08-17. Review status: criteria provided, single submitter. Criteria: ACMG Guidelines, 2015. Collection method: clinical testing. Allele origin: germline.

PreventionGenetics, part of Exact Sciences
Classification: Benign. Last evaluated: 2018-03-06. Review status: criteria provided, single submitter. Criteria: ACMG Guidelines, 2015. Collection method: clinical testing. Allele origin: germline.

Illumina Laboratory Services, Illumina
Classification: Benign for Malignant hyperthermia, susceptibility to, 1. Last evaluated: 2018-01-12. Review status: criteria provided, single submitter. Criteria: ICSL Variant Classification Criteria 13 December 2019. Collection method: clinical testing. Allele origin: germline.
Comment: This variant was observed in the ICSL laboratory as part of a predisposition screen in an ostensibly healthy population. It had not been previously curated by ICSL or reported in the Human Gene Mutation Database (HGMD: prior to June 1st, 2018), and was therefore a candidate for classification through an automated scoring system. Utilizing variant allele frequency, disease prevalence and penetrance estimates, and inheritance mode, an automated score was calculated to assess if this variant is too frequent to cause the disease. Based on the score and internal cut-off values, a variant classified as benign is not then subjected to further curation. The score for this variant resulted in a classification of benign for this disease.

Illumina Laboratory Services, Illumina
Classification: Benign for Congenital multicore myopathy with external ophthalmoplegia. Last evaluated: 2018-01-12. Review status: criteria provided, single submitter. Criteria: ICSL Variant Classification Criteria 13 December 2019. Collection method: clinical testing. Allele origin: germline.
Comment: the same text as in the submission from Illumina Laboratory Services, Illumina above.

Illumina Laboratory Services, Illumina
Classification: Benign for Central core myopathy. Last evaluated: 2018-01-12. Review status: criteria provided, single submitter. Criteria: ICSL Variant Classification Criteria 13 December 2019. Collection method: clinical testing. Allele origin: germline.
Comment: the same text as in the submission from Illumina Laboratory Services, Illumina above.

Mayo Clinic Laboratories, Mayo Clinic
Classification: Benign. Last evaluated: 2017-12-04. Review status: criteria provided, single submitter. Criteria: ACMG Guidelines, 2015. Collection method: clinical testing. Allele origin: germline. Observed: 33 variant alleles.

GeneDx
Classification: Benign. Last evaluated: 2016-02-29. Review status: criteria provided, single submitter. Criteria: GeneDx Variant Classification (06012015). Collection method: clinical testing. Allele origin: germline. Affected: yes.
Comment: This variant is considered likely benign or benign based on one or more of the following criteria: it is a conservative change, it occurs at a poorly conserved position in the protein, it is predicted to be benign by multiple in silico algorithms, and/or has population frequency not consistent with disease.

Eurofins Ntd Llc (ga)
Classification: Benign. Last evaluated: 2015-10-08. Review status: criteria provided, single submitter. Criteria: EGL Classification Definitions 2015. Collection method: clinical testing. Allele origin: germline. Observed: 15 variant alleles, 14 heterozygotes, 1 homozygote.

Genetic Services Laboratory, University of Chicago
Classification: Benign. Last evaluated: 2013-02-08. Review status: criteria provided, single submitter. Criteria: ACMG Guidelines, 2007. Collection method: clinical testing. Allele origin: germline. Inheritance: Autosomal unknown.

Breakthrough Genomics
Classification: Likely benign. Review status: criteria provided, single submitter. Criteria: ACMG Guidelines, 2015. Collection method: not provided. Allele origin: germline. Inheritance: Autosomal recessive inheritance. Affected: yes.

Clinical Genetics, Academic Medical Center
Classification: Benign. Review status: no assertion criteria provided. Collection method: clinical testing. Allele origin: germline. Affected: yes. Study: VKGL Data-share Consensus. Not counted in ClinVar's aggregate classification.

Joint Genome Diagnostic Labs from Nijmegen and Maastricht, Radboudumc and MUMC+
Classification: Benign. Review status: no assertion criteria provided. Collection method: clinical testing. Allele origin: germline. Affected: yes. Study: VKGL Data-share Consensus. Not counted in ClinVar's aggregate classification.

Laboratory of Diagnostic Genome Analysis, Leiden University Medical Center (LUMC)
Classification: Benign. Review status: no assertion criteria provided. Collection method: clinical testing. Allele origin: germline. Affected: yes. Study: VKGL Data-share Consensus. Not counted in ClinVar's aggregate classification.

NM_000540.3(RYR1):c.5622A>G (p.Glu1874=)

Gene: RYR1 (ryanodine receptor 1; plus strand). Cytogenetic location: 19q13.2.
Variant type: single nucleotide variant.
Coding change: c.5622A>G on transcript NM_000540.3 (MANE Select); coding-DNA position 5622, A replaced by G.
Protein change: p.Glu1874=; no amino-acid change (glutamic acid 1874 retained).
Molecular consequence: synonymous variant.
Genome position (GRCh38, 1-based): chr19:38,489,251, A>G. VCF-style: chr19-38489251-A-G. GRCh37 (hg19) VCF-style: chr19-38979891-A-G.
Other names: p.Glu1874=; c.5622A>G, p.Glu1874= (NM_001042723.2).
Identifiers: ClinVar variation 159853 (VCV000159853.33), dbSNP rs35021937, ClinGen allele CA024528.